The following is an entry in ClinVar:

ClinVar aggregate classification (germline): Uncertain significance. Review status: criteria provided, multiple submitters, no conflicts (2 of 4 stars). 2 submissions from 2 submitters: Uncertain significance (2). Last evaluated 2025-10-01.

Conditions:
CODAS syndrome. Also called: CEREBRAL, OCULAR, DENTAL, AURICULAR, AND SKELETAL ANOMALIES SYNDROME. Identifiers: Orphanet 1458, MedGen C1838180, MONDO:0010879, OMIM 600373.

Submissions (2):

Labcorp Genetics (formerly Invitae), Labcorp
Classification: Uncertain significance. Last evaluated: 2025-10-01. Review status: criteria provided, single submitter. Criteria: Invitae Variant Classification Sherloc (09022015). Collection method: clinical testing. Allele origin: germline.
Comment: This variant, c.64_90del, results in the deletion of 9 amino acid(s) of the LONP1 protein (p.Pro22_Arg30del), but otherwise preserves the integrity of the reading frame. This variant is present in population databases (no rsID available, gnomAD 0.008%). This variant has not been reported in the literature in individuals affected with LONP1-related conditions. ClinVar contains an entry for this variant (Variation ID: 1512536). Experimental studies and prediction algorithms are not available or were not evaluated, and the functional significance of this variant is currently unknown. In summary, the available evidence is currently insufficient to determine the role of this variant in disease. Therefore, it has been classified as a Variant of Uncertain Significance.

Baylor Genetics
Classification: Uncertain significance for CODAS syndrome. Last evaluated: 2021-10-01. Review status: criteria provided, single submitter. Criteria: ACMG Guidelines, 2015. Collection method: clinical testing. Allele origin: unknown.

NM_004793.4(LONP1):c.64_90del (p.Pro22_Arg30del)

Gene: LONP1 (lon peptidase 1, mitochondrial; minus strand). Cytogenetic location: 19p13.3.
Variant type: Deletion.
Coding change: c.64_90del on transcript NM_004793.4 (MANE Select); coding-DNA positions 64 to 90, 27 bases deleted (CCGATGCTGGCCGCCGCCGGGGGGCGG).
Protein change: p.Pro22_Arg30del.
Molecular consequence: inframe deletion. On other transcripts: non-coding transcript variant (1), intron variant (1).
Genome position (GRCh38, 1-based): chr19:5,720,043-5,720,069, CCGCCCCCCGGCGGCGGCCAGCATCGG deleted on the plus strand (CCGATGCTGGCCGCCGCCGGGGGGCGG on the coding strand, the reverse complement: LONP1 is on the minus strand); deleting any 27 consecutive bases within chr19:5,720,043-5,720,074 gives the same sequence; the c. name uses the placement nearest the transcript's 3' end. VCF-style (leftmost placement, unchanged base first): chr19-5720042-CCCGCCCCCCGGCGGCGGCCAGCATCGG-C. GRCh37 (hg19) VCF-style: chr19-5720053-CCCGCCCCCCGGCGGCGGCCAGCATCGG-C.
Other names: c.64_90del, p.Pro22_Arg30del (NM_001276479.2); c.-160+150_-160+176del (NM_001276480.1).
Identifiers: ClinVar variation 1512536 (VCV001512536.6), dbSNP rs1355376280, ClinGen allele CA631719045.